The following is an entry in ClinVar:

NM_001368067.1(LDB3):c.355C>T (p.Gln119Ter)

Genes: LDB3 (LIM domain binding 3; plus strand), LOC110121486 (VISTA enhancer hs2143; plus strand). Cytogenetic location: 10q23.2.
Variant type: single nucleotide variant.
Coding change: c.355C>T on transcript NM_001368067.1 (MANE Plus Clinical); coding-DNA position 355, C replaced by T.
Protein change: p.Gln119Ter; replaces glutamine 119 with a stop codon.
Molecular consequence: nonsense. On other transcripts: intron variant (5).
Genome position (GRCh38, 1-based): chr10:86,687,079, C>T. VCF-style: chr10-86687079-C-T. GRCh37 (hg19) VCF-style: chr10-88446836-C-T.
Other names: c.700C>T, p.Gln234Ter (NM_001171611.2, NM_001171610.2); c.355C>T, p.Gln119Ter (NM_001368066.1, NM_001368068.1, NM_001080114.2 and 1 more transcripts); c.690-4817C>T (NM_001368064.1, NM_001368063.1, NM_007078.3 and 2 more transcripts); short protein forms Q119*, Q234*.
Identifiers: ClinVar variation 576453 (VCV000576453.7), dbSNP rs1564639205, ClinGen allele CA377441336.

ClinVar aggregate classification (germline): Uncertain significance (1 of 4 stars; one submission).

Conditions:
Myofibrillar myopathy 4. Also called: Zaspopathy (type). Identifiers: Orphanet 98912, MedGen C4721886, MONDO:0012277, OMIM 609452.

Submission:

Labcorp Genetics (formerly Invitae), Labcorp
Classification: Uncertain significance for Myofibrillar myopathy 4. Last evaluated: 2022-07-18. Review status: criteria provided, single submitter. Criteria: Invitae Variant Classification Sherloc (09022015). Collection method: clinical testing. Allele origin: germline.
Comment: In summary, the available evidence is currently insufficient to determine the role of this variant in disease. Therefore, it has been classified as a Variant of Uncertain Significance. ClinVar contains an entry for this variant (Variation ID: 576453). This variant has not been reported in the literature in individuals affected with LDB3-related conditions. This variant is not present in population databases (gnomAD no frequency). This sequence change creates a premature translational stop signal (p.Gln119*) in the LDB3 gene. It is expected to result in an absent or disrupted protein product. However, the current clinical and genetic evidence is not sufficient to establish whether loss-of-function variants in LDB3 cause disease.